The following is an entry in ClinVar:

ClinVar aggregate classification (germline): Uncertain significance. Review status: criteria provided, multiple submitters, no conflicts (2 of 4 stars). 2 submissions from 2 submitters: Uncertain significance (2). Last evaluated 2026-02-14.

gnomAD v4.1: 31 of 1,612,584 alleles (0.0019%); highest among the groups gnomAD compares: African/African-American, 0.028%; no homozygotes.

Submissions (2):

GeneDx
Classification: Uncertain significance. Last evaluated: 2026-02-14. Review status: criteria provided, single submitter. Criteria: GeneDx Variant Classification Process June 2021. Collection method: clinical testing. Allele origin: germline.
Comment: In silico analysis suggests that this missense variant does not alter protein structure/function; Has not been previously published as pathogenic or benign to our knowledge

Ambry Genetics
Classification: Uncertain significance. Last evaluated: 2025-02-22. Review status: criteria provided, single submitter. Criteria: Ambry Variant Classification Scheme 2023. Collection method: clinical testing. Allele origin: germline.

NM_020894.4(UVSSA):c.1630G>A (p.Asp544Asn)

Gene: UVSSA (UV stimulated scaffold protein A; plus strand). Cytogenetic location: 4p16.3.
Variant type: single nucleotide variant.
Coding change: c.1630G>A on transcript NM_020894.4 (MANE Select); coding-DNA position 1630, G replaced by A.
Protein change: p.Asp544Asn; replaces aspartic acid 544 with asparagine.
Molecular consequence: missense variant.
Genome position (GRCh38, 1-based): chr4:1,380,108, G>A. VCF-style: chr4-1380108-G-A. GRCh37 (hg19) VCF-style: chr4-1373896-G-A.
Other names: c.1630G>A, p.Asp544Asn (NM_001317935.2, NM_001317934.2); short protein forms D544N.
Identifiers: ClinVar variation 3814662 (VCV003814662.2).
Genomic context (GRCh38, chr4:1,380,108, plus strand): 5'-TCTGACTCCCAGCACCGCTTCTGGAAGCCCAGCGAGGTGGAGGAGGAAGTGGTCAATGCC[G>A]ACATCTCCGAGATGCTCCGGAGCCGCCACATCACTTTTGCCGGGAAGTTTGAGCCTGTGC-3'
Protein context (NP_065945.2, residues 534-554): SEVEEEVVNA[Asp544Asn]ISEMLRSRHI